The following is an entry in ClinVar:

ClinVar aggregate classification (germline): Uncertain significance. Review status: criteria provided, multiple submitters, no conflicts (2 of 4 stars). 2 submissions from 2 submitters: Uncertain significance (2). Last evaluated 2024-07-01.

Conditions:
Autosomal dominant auditory neuropathy 1. Also called: AUDITORY NEUROPATHY, NONSYNDROMIC DOMINANT. Identifiers: Orphanet 90635, MedGen C1836743, MONDO:0012196, OMIM 609129.

Allele frequency attached by ClinVar (database versions not stated): gnomAD 0.00001; TOPMed 0.00001; gnomAD exomes 0.00002.
gnomAD v4.1: 33 of 1,614,048 alleles (0.002%); highest among the groups gnomAD compares: Non-Finnish European, 0.0028%; no homozygotes.

Submissions (2):

Labcorp Genetics (formerly Invitae), Labcorp
Classification: Uncertain significance. Last evaluated: 2024-07-01. Review status: criteria provided, single submitter. Criteria: Invitae Variant Classification Sherloc (09022015). Collection method: clinical testing. Allele origin: germline.
Comment: This sequence change replaces asparagine, which is neutral and polar, with serine, which is neutral and polar, at codon 1122 of the DIAPH3 protein (p.Asn1122Ser). This variant is present in population databases (no rsID available, gnomAD 0.007%). This variant has not been reported in the literature in individuals affected with DIAPH3-related conditions. ClinVar contains an entry for this variant (Variation ID: 1915046). Algorithms developed to predict the effect of missense changes on protein structure and function output the following: SIFT: "Not Available"; PolyPhen-2: "Benign"; Align-GVGD: "Not Available". The serine amino acid residue is found in multiple mammalian species, which suggests that this missense change does not adversely affect protein function. In summary, the available evidence is currently insufficient to determine the role of this variant in disease. Therefore, it has been classified as a Variant of Uncertain Significance.

Revvity Omics, Revvity
Classification: Uncertain significance for Autosomal dominant auditory neuropathy 1. Last evaluated: 2022-10-04. Review status: criteria provided, single submitter. Criteria: ACMG Guidelines, 2015. Collection method: clinical testing. Allele origin: germline.

NM_001042517.2(DIAPH3):c.3365A>G (p.Asn1122Ser)

Gene: DIAPH3 (diaphanous related formin 3; minus strand). Cytogenetic location: 13q21.2.
Variant type: single nucleotide variant.
Coding change: c.3365A>G on transcript NM_001042517.2 (MANE Select); coding-DNA position 3365, A replaced by G.
Protein change: p.Asn1122Ser; replaces asparagine 1122 with serine.
Molecular consequence: missense variant.
Genome position (GRCh38, 1-based): chr13:59,666,801, T>C on the plus strand (A>G on the coding strand, the complement: DIAPH3 is on the minus strand). VCF-style: chr13-59666801-T-C. GRCh37 (hg19) VCF-style: chr13-60240935-T-C.
Other names: c.3332A>G, p.Asn1111Ser (NM_001258366.2); c.3227A>G, p.Asn1076Ser (NM_001258367.2); c.3155A>G, p.Asn1052Ser (NM_001258368.2); short protein forms N1076S, N1122S, N1052S, N1111S.
Identifiers: ClinVar variation 1915046 (VCV001915046.8), dbSNP rs963183930, ClinGen allele CA250929962.